The following is an entry in ClinVar:

NM_001283009.2(RTEL1):c.4C>T (p.Pro2Ser)

Genes: RTEL1 (regulator of telomere elongation helicase 1; plus strand), RTEL1-TNFRSF6B (RTEL1-TNFRSF6B readthrough (NMD candidate); plus strand). Cytogenetic location: 20q13.33.
Variant type: single nucleotide variant.
Coding change: c.4C>T on transcript NM_001283009.2 (MANE Select); coding-DNA position 4, C replaced by T.
Protein change: p.Pro2Ser; replaces proline 2 with serine.
Molecular consequence: missense variant. On other transcripts: non-coding transcript variant (1), intron variant (1).
Genome position (GRCh38, 1-based): chr20:63,659,406, C>T. VCF-style: chr20-63659406-C-T. GRCh37 (hg19) VCF-style: chr20-62290759-C-T.
Other names: c.4C>T, p.Pro2Ser (NM_016434.4, NM_032957.5); c.-568+947C>T (NM_001283010.1); short protein forms P2S.
Identifiers: ClinVar variation 4794715 (VCV004794715.1).

ClinVar aggregate classification (germline): Uncertain significance (1 of 4 stars; one submission).

Conditions:
Pulmonary fibrosis and/or bone marrow failure, Telomere-related, 3. Also called: PULMONARY FIBROSIS AND/OR BONE MARROW FAILURE SYNDROME, TELOMERE-RELATED, 3. Identifiers: Orphanet 2032, MedGen C4225346, MONDO:0014613, OMIM 616373.
Dyskeratosis congenita, autosomal recessive 5 (DKCB5). Identifiers: MedGen C3554656, MONDO:0014076, OMIM 615190.

Submission:

Labcorp Genetics (formerly Invitae), Labcorp
Classification: Uncertain significance for Dyskeratosis congenita, autosomal recessive 5; Pulmonary fibrosis and/or bone marrow failure, Telomere-related, 3. Last evaluated: 2025-09-15. Review status: criteria provided, single submitter. Criteria: Invitae Variant Classification Sherloc (09022015). Collection method: clinical testing. Allele origin: germline.
Comment: This sequence change replaces proline, which is neutral and non-polar, with serine, which is neutral and polar, at codon 2 of the RTEL1 protein (p.Pro2Ser). This variant is not present in population databases (gnomAD no frequency). This variant has not been reported in the literature in individuals affected with RTEL1-related conditions. An algorithm developed to predict the effect of missense changes on protein structure and function (PolyPhen-2) suggests that this variant is likely to be disruptive. In summary, the available evidence is currently insufficient to determine the role of this variant in disease. Therefore, it has been classified as a Variant of Uncertain Significance.